The following is an entry in ClinVar:

ClinVar aggregate classification (germline): Uncertain significance (1 of 4 stars; one submission).

Allele frequency attached by ClinVar (database versions not stated): TOPMed below 0.00001; ExAC 0.00001; gnomAD 0.00001; gnomAD exomes 0.00001.
gnomAD v4.1: 18 of 1,614,006 alleles (0.0011%); highest among the groups gnomAD compares: Admixed American, 0.0067%; no homozygotes.

Submission:

Labcorp Genetics (formerly Invitae), Labcorp
Classification: Uncertain significance. Last evaluated: 2025-10-05. Review status: criteria provided, single submitter. Criteria: Invitae Variant Classification Sherloc (09022015). Collection method: clinical testing. Allele origin: germline.
Comment: This sequence change replaces aspartic acid, which is acidic and polar, with asparagine, which is neutral and polar, at codon 1103 of the ERBIN protein (p.Asp1103Asn). This variant is present in population databases (rs775391012, gnomAD 0.003%). This variant has not been reported in the literature in individuals affected with ERBIN-related conditions. ClinVar contains an entry for this variant (Variation ID: 1475302). An algorithm developed to predict the effect of missense changes on protein structure and function (PolyPhen-2) suggests that this variant is likely to be tolerated. In summary, the available evidence is currently insufficient to determine the role of this variant in disease. Therefore, it has been classified as a Variant of Uncertain Significance.

NM_001253697.2(ERBIN):c.3307G>A (p.Asp1103Asn)

Gene: ERBIN (erbb2 interacting protein; plus strand). Cytogenetic location: 5q12.3.
Variant type: single nucleotide variant.
Coding change: c.3307G>A on transcript NM_001253697.2 (MANE Select); coding-DNA position 3307, G replaced by A.
Protein change: p.Asp1103Asn; replaces aspartic acid 1103 with asparagine.
Molecular consequence: missense variant.
Genome position (GRCh38, 1-based): chr5:66,054,625, G>A. VCF-style: chr5-66054625-G-A. GRCh37 (hg19) VCF-style: chr5-65350453-G-A.
Other names: c.3307G>A, p.Asp1103Asn (NM_001006600.3, NM_001253698.2, NM_001253699.2 and 1 more transcripts); c.3295G>A, p.Asp1099Asn (NM_001253701.2); short protein forms D1099N, D1103N.
Identifiers: ClinVar variation 1475302 (VCV001475302.8), dbSNP rs775391012, ClinGen allele CA3286637.
Genomic context (GRCh38, chr5:66,054,625, plus strand): 5'-ACAGCCTCTGTAAATCTTGGTGATCCAGGCTCTACAAGGCGGGCTCAGATTCCTGAAGGA[G>A]ATTATTTATCATACAGAGAGTTCCACTCAGCGGGAAGAACTCCTCCAATGATGCCAGGAT-3'
Protein context (NP_001240626.1, residues 1093-1113): STRRAQIPEG[Asp1103Asn]YLSYREFHSA